The following is an entry in ClinVar:

ClinVar aggregate classification (germline): Uncertain significance. Review status: criteria provided, multiple submitters, no conflicts (2 of 4 stars). 4 submissions from 4 submitters: Uncertain significance (3). 1 of the submissions does not count toward it. Last evaluated 2023-12-29.

Conditions:
Sarcotubular myopathy (LGMDR8). Also called: Hutterite type of muscular dystrophy; Autosomal recessive limb-girdle muscular dystrophy type 2H; MUSCULAR DYSTROPHY, LIMB-GIRDLE, AUTOSOMAL RECESSIVE 8; Limb-girdle muscular dystrophy, type 2H. Identifiers: Orphanet 1878, MedGen C0270968, MONDO:0009683, OMIM 254110.
Bardet-Biedl syndrome 11 (BBS11). Identifiers: Orphanet 110, MedGen C1859569, MONDO:0014439, OMIM 615988.
TRIM32-related disorder. Also called: TRIM32-related condition.
Bardet-Biedl syndrome (BBS). Identifiers: Orphanet 110, MedGen C0752166, MONDO:0015229.

Allele frequency attached by ClinVar (database versions not stated): gnomAD 0.00002 and 0.00001; ExAC 0.00002.
gnomAD v4.1: 16 of 1,614,204 alleles (0.00099%); highest among the groups gnomAD compares: Middle Eastern, 0.016%; no homozygotes.

Submissions (4):

Fulgent Genetics
Classification: Uncertain significance for Sarcotubular myopathy; Bardet-Biedl syndrome 11. Last evaluated: 2023-12-29. Review status: criteria provided, single submitter. Criteria: ACMG Guidelines, 2015. Collection method: clinical testing. Allele origin: germline.

Labcorp Genetics (formerly Invitae), Labcorp
Classification: Uncertain significance for Bardet-Biedl syndrome. Last evaluated: 2022-07-25. Review status: criteria provided, single submitter. Criteria: Invitae Variant Classification Sherloc (09022015). Collection method: clinical testing. Allele origin: germline.
Comment: This sequence change replaces serine, which is neutral and polar, with glycine, which is neutral and non-polar, at codon 594 of the TRIM32 protein (p.Ser594Gly). This variant is present in population databases (rs757524831, gnomAD 0.003%). This variant has not been reported in the literature in individuals affected with TRIM32-related conditions. ClinVar contains an entry for this variant (Variation ID: 195285). Algorithms developed to predict the effect of missense changes on protein structure and function (SIFT, PolyPhen-2, Align-GVGD) all suggest that this variant is likely to be disruptive. In summary, the available evidence is currently insufficient to determine the role of this variant in disease. Therefore, it has been classified as a Variant of Uncertain Significance.

Eurofins Ntd Llc (ga)
Classification: Uncertain significance. Last evaluated: 2015-05-14. Review status: criteria provided, single submitter. Criteria: EGL Classification Definitions 2015. Collection method: clinical testing. Allele origin: germline. Observed: 1 variant allele, 1 heterozygote.

PreventionGenetics, part of Exact Sciences
Classification: Uncertain significance for TRIM32-related condition. Last evaluated: 2024-05-20. Review status: no assertion criteria provided. Collection method: clinical testing. Allele origin: germline. Not counted in ClinVar's aggregate classification.
Comment: The TRIM32 c.1780A>G variant is predicted to result in the amino acid substitution p.Ser594Gly. To our knowledge, this variant has not been reported in the literature. A different amino acid substitution (p.Ser594Asn) was described in the apparently homozygous state in one patient presented with sarcotubular myopathy (Panicucci et al. 2019. PubMed ID: 31309175). This variant is reported in 0.0033% of alleles in individuals of South Asian descent in gnomAD. At this time, the clinical significance of this variant is uncertain due to the absence of conclusive functional and genetic evidence.

NM_012210.4(TRIM32):c.1780A>G (p.Ser594Gly)

Genes: ASTN2 (astrotactin 2; minus strand), TRIM32 (tripartite motif containing 32; plus strand). Cytogenetic location: 9q33.1.
Variant type: single nucleotide variant.
Coding change: c.1780A>G on transcript NM_012210.4 (MANE Select); coding-DNA position 1780, A replaced by G.
Protein change: p.Ser594Gly; replaces serine 594 with glycine.
Molecular consequence: missense variant. On other transcripts: intron variant (3).
Genome position (GRCh38, 1-based): chr9:116,699,522, A>G. VCF-style: chr9-116699522-A-G. GRCh37 (hg19) VCF-style: chr9-119461801-A-G.
Other names: c.1780A>G, p.Ser594Gly (NM_001099679.2, NM_001379048.1, NM_001379049.1 and 1 more transcripts); c.2653+26249T>C (NM_014010.5); c.2794+26249T>C (NM_001365069.1); c.2806+26249T>C (NM_001365068.1); short protein forms S594G.
Identifiers: ClinVar variation 195285 (VCV000195285.12), dbSNP rs757524831, ClinGen allele CA241644.
Genomic context (GRCh38, chr9:116,699,522, plus strand): 5'-GATTTCCGCTGCATTGCTGGCATGTGTGTGGATGCTCGTGGTGATCTCATCGTGGCTGAC[A>G]GTAGTCGCAAGGAAATTCTCCATTTTCCTAAGGGTGGGGGCTATAGTGTCCTTATTCGAG-3'
Protein context (NP_036342.2, residues 584-604): DARGDLIVAD[Ser594Gly]SRKEILHFPK